The following is an entry in ClinVar:

ClinVar aggregate classification (germline): Pathogenic. Review status: criteria provided, multiple submitters, no conflicts (2 of 4 stars). 2 submissions from 2 submitters: Pathogenic (2). Last evaluated 2026-05-05.

Conditions:
Hereditary breast ovarian cancer syndrome. Also called: BRCA1- and BRCA2-Associated Hereditary Breast and Ovarian Cancer; Hereditary breast and/or ovarian cancer syndrome; Breast and ovarian cancer; Hereditary breast and ovarian cancer syndrome; Hereditary breast and ovarian cancer; Hereditary breast and ovarian cancer syndrome (HBOC). Identifiers: Orphanet 145, MedGen C0677776, MeSH D061325, MONDO:0003582. Disease mechanism: loss of function.
Hereditary cancer-predisposing syndrome. Also called: Neoplastic Syndromes, Hereditary; Hereditary neoplastic syndrome; Hereditary Cancer Syndrome; Tumor predisposition. Identifiers: Orphanet 140162, MedGen C0027672, MeSH D009386, MONDO:0015356.

Submissions (2):

Women's Health and Genetics/Laboratory Corporation of America, LabCorp
Classification: Pathogenic for Hereditary breast ovarian cancer syndrome. Last evaluated: 2026-05-05. Review status: criteria provided, single submitter. Criteria: LabCorp Variant Classification Summary - May 2015. Collection method: clinical testing. Allele origin: germline.
Comment: Variant summary: CHEK2 c.945dupG (p.Asn316GlufsX2) results in a premature termination codon, predicted to cause absence of the protein due to nonsense mediated decay, which is a commonly known mechanism for disease. The variant was absent in 251486 control chromosomes. To our knowledge, no occurrence of c.945dupG in individuals affected with CHEK2-related conditions and no experimental evidence demonstrating its impact on protein function have been reported. ClinVar contains an entry for this variant (Variation ID: 922049). Based on the evidence outlined above, the variant was classified as pathogenic.

Color Diagnostics, LLC DBA Color Health
Classification: Pathogenic for Hereditary cancer-predisposing syndrome. Last evaluated: 2020-01-15. Review status: criteria provided, single submitter. Criteria: ACMG Guidelines, 2015. Collection method: clinical testing. Allele origin: germline.
Comment: This variant inserts 1 nucleotide in exon 9 of the CHEK2 gene, creating a frameshift and premature translation stop signal. This variant is expected to result in an absent or non-functional protein product. This variant has not been identified in the general population by the Genome Aggregation Database (gnomAD). Loss of CHEK2 function is a known mechanism of disease. Based on the available evidence, this variant is classified as Pathogenic.

NM_007194.4(CHEK2):c.945dup (p.Asn316fs)

Gene: CHEK2 (checkpoint kinase 2; minus strand). Cytogenetic location: 22q12.1.
Variant type: Duplication.
Coding change: c.945dup on transcript NM_007194.4 (MANE Select); coding-DNA position 945, one base duplicated (G; older notation c.945dupG).
Protein change: p.Asn316fs; shifts the reading frame from asparagine 316.
Molecular consequence: frameshift variant.
Genome position (GRCh38, 1-based): chr22:28,699,901, C duplicated on the plus strand (G on the coding strand, the reverse complement: CHEK2 is on the minus strand); the first of 4 consecutive C bases (chr22:28,699,901-28,699,904); duplicating any one gives the same sequence. VCF-style (leftmost placement, unchanged base first): chr22-28699900-T-TC. GRCh37 (hg19) VCF-style: chr22-29095888-T-TC.
Other names: c.1071dup, p.Asn359Glufs (NM_001005735.3); c.279dup, p.Asn95Glufs (NM_001257387.3); c.741dup, p.Asn249Glufs (NM_001349956.3); c.942dup, p.Asn316Glufs (NM_145862.3); c.945dupG (NM_007194.4); short protein forms N249fs, N359fs, N316fs, N95fs.
Identifiers: ClinVar variation 922049 (VCV000922049.4), dbSNP rs2052765649, ClinGen allele CA645600908.